The following is an entry in ClinVar:

NM_000321.3(RB1):c.1246C>A (p.Leu416Met)

Gene: RB1 (RB transcriptional corepressor 1; plus strand). Cytogenetic location: 13q14.2.
Variant type: single nucleotide variant.
Coding change: c.1246C>A on transcript NM_000321.3 (MANE Select); coding-DNA position 1246, C replaced by A.
Protein change: p.Leu416Met; replaces leucine 416 with methionine.
Molecular consequence: missense variant.
Genome position (GRCh38, 1-based): chr13:48,376,948, C>A. VCF-style: chr13-48376948-C-A. GRCh37 (hg19) VCF-style: chr13-48951084-C-A.
Other names: c.1246C>A, p.Leu416Met (NM_001407165.1, NM_001407166.1); short protein forms L416M.
Identifiers: ClinVar variation 1759592 (VCV001759592.3), dbSNP rs1438600147, ClinGen allele CA388161999.

ClinVar aggregate classification (germline): Uncertain significance. Review status: criteria provided, multiple submitters, no conflicts (2 of 4 stars). 2 submissions from 2 submitters: Uncertain significance (2). Last evaluated 2024-01-21.

Conditions:
Hereditary cancer-predisposing syndrome. Also called: Neoplastic Syndromes, Hereditary; Tumor predisposition; Hereditary Cancer Syndrome; Hereditary neoplastic syndrome. Identifiers: Orphanet 140162, MedGen C0027672, MeSH D009386, MONDO:0015356.
Malignant tumor of urinary bladder. Also called: Urinary bladder cancer; Urinary Bladder Neoplasms; Bladder cancer. Identifiers: MedGen C0005684, MONDO:0001187, OMIM 109800.

Allele frequency attached by ClinVar (database versions not stated): gnomAD exomes below 0.00001.
gnomAD v4.1: 1 of 1,613,640 alleles (0.000062%); highest among the groups gnomAD compares: Middle Eastern, 0.017%; no homozygotes.

Submissions (2):

Baylor Genetics
Classification: Uncertain significance for Malignant tumor of urinary bladder. Last evaluated: 2024-01-21. Review status: criteria provided, single submitter. Criteria: ACMG Guidelines, 2015. Collection method: clinical testing. Allele origin: unknown.

Ambry Genetics
Classification: Uncertain significance for Hereditary cancer-predisposing syndrome. Last evaluated: 2021-09-17. Review status: criteria provided, single submitter. Criteria: Ambry Variant Classification Scheme 2023. Collection method: clinical testing. Allele origin: germline.
Comment: The p.L416M variant (also known as c.1246C>A), located in coding exon 13 of the RB1 gene, results from a C to A substitution at nucleotide position 1246. The leucine at codon 416 is replaced by methionine, an amino acid with highly similar properties. This amino acid position is well conserved in available vertebrate species. In addition, this alteration is predicted to be tolerated by in silico analysis. Since supporting evidence is limited at this time, the clinical significance of this alteration remains unclear.